The following is an entry in ClinVar:

NM_001182.5(ALDH7A1):c.688G>A (p.Val230Ile)

Gene: ALDH7A1 (aldehyde dehydrogenase 7 family member A1; minus strand). Cytogenetic location: 5q23.2.
Variant type: single nucleotide variant.
Coding change: c.688G>A on transcript NM_001182.5 (MANE Select); coding-DNA position 688, G replaced by A.
Protein change: p.Val230Ile; replaces valine 230 with isoleucine.
Molecular consequence: missense variant.
Genome position (GRCh38, 1-based): chr5:126,575,427, C>T on the plus strand (G>A on the coding strand, the complement: ALDH7A1 is on the minus strand). VCF-style: chr5-126575427-C-T. GRCh37 (hg19) VCF-style: chr5-125911119-C-T.
Other names: c.604G>A, p.Val202Ile (NM_001201377.2); c.688G>A, p.Val230Ile (NM_001202404.2); short protein forms V202I, V230I.
Identifiers: ClinVar variation 2690877 (VCV002690877.3), dbSNP rs752824129, ClinGen allele CA126908033.

ClinVar aggregate classification (germline): Uncertain significance. Review status: criteria provided, multiple submitters, no conflicts (2 of 4 stars). 2 submissions from 2 submitters: Uncertain significance (2). Last evaluated 2025-04-23.

Conditions:
Pyridoxine-dependent epilepsy (EPEO4). Also called: Pyridoxine-Dependent Seizures; PYRIDOXINE DEPENDENCY WITH SEIZURES; EPILEPSY, EARLY-ONSET, 4, VITAMIN B6-DEPENDENT; Pyridoxine-Dependent Epilepsy - ALDH7A1. Identifiers: Orphanet 3006, MedGen C1849508, MONDO:0009945, OMIM 266100. Disease mechanism: loss of function.

Submissions (2):

GeneDx
Classification: Uncertain significance. Last evaluated: 2025-04-23. Review status: criteria provided, single submitter. Criteria: GeneDx Variant Classification Process June 2021. Collection method: clinical testing. Allele origin: germline. Affected: yes.
Comment: Not observed at significant frequency in large population cohorts (gnomAD); In silico analysis indicates that this missense variant does not alter protein structure/function; Has not been previously published as pathogenic or benign to our knowledge

Revvity Omics, Revvity
Classification: Uncertain significance for Pyridoxine-dependent epilepsy. Last evaluated: 2023-11-08. Review status: criteria provided, single submitter. Criteria: ACMG Guidelines, 2015. Collection method: clinical testing. Allele origin: germline.